The following is an entry in ClinVar:

NM_020320.5(RARS2):c.700G>A (p.Asp234Asn)

Gene: RARS2 (arginyl-tRNA synthetase 2, mitochondrial; minus strand). Cytogenetic location: 6q15.
Variant type: single nucleotide variant.
Coding change: c.700G>A on transcript NM_020320.5 (MANE Select); coding-DNA position 700, G replaced by A.
Protein change: p.Asp234Asn; replaces aspartic acid 234 with asparagine.
Molecular consequence: missense variant. On other transcripts: non-coding transcript variant (23).
Genome position (GRCh38, 1-based): chr6:87,530,855, C>T on the plus strand (G>A on the coding strand, the complement: RARS2 is on the minus strand). VCF-style: chr6-87530855-C-T. GRCh37 (hg19) VCF-style: chr6-88240573-C-T.
Other names: c.175G>A, p.Asp59Asn (NM_001318785.2, NM_001350506.2, NM_001350507.2 and 4 more transcripts); c.700G>A, p.Asp234Asn (NM_001350505.2); short protein forms D59N, D234N.
Identifiers: ClinVar variation 2157344 (VCV002157344.1), dbSNP rs1224556490, ClinGen allele CA364929508.

ClinVar aggregate classification (germline): Uncertain significance (1 of 4 stars; one submission).

Allele frequency attached by ClinVar (database versions not stated): gnomAD exomes 0.00001; TOPMed 0.00001.
gnomAD v4.1: 13 of 1,614,210 alleles (0.00081%); highest among the groups gnomAD compares: Middle Eastern, 0.016%; no homozygotes.

Submission:

Labcorp Genetics (formerly Invitae), Labcorp
Classification: Uncertain significance. Last evaluated: 2022-08-21. Review status: criteria provided, single submitter. Criteria: Invitae Variant Classification Sherloc (09022015). Collection method: clinical testing. Allele origin: germline.
Comment: This sequence change replaces aspartic acid, which is acidic and polar, with asparagine, which is neutral and polar, at codon 234 of the RARS2 protein (p.Asp234Asn). This variant is not present in population databases (gnomAD no frequency). This variant has not been reported in the literature in individuals affected with RARS2-related conditions. Advanced modeling of protein sequence and biophysical properties (such as structural, functional, and spatial information, amino acid conservation, physicochemical variation, residue mobility, and thermodynamic stability) performed at Invitae indicates that this missense variant is not expected to disrupt RARS2 protein function. In summary, the available evidence is currently insufficient to determine the role of this variant in disease. Therefore, it has been classified as a Variant of Uncertain Significance.